The following is an entry in ClinVar:

NM_000553.6(WRN):c.82G>A (p.Val28Ile)

Gene: WRN (WRN RecQ like helicase; plus strand). Cytogenetic location: 8p12.
Variant type: single nucleotide variant.
Coding change: c.82G>A on transcript NM_000553.6 (MANE Select); coding-DNA position 82, G replaced by A.
Protein change: p.Val28Ile; replaces valine 28 with isoleucine.
Molecular consequence: missense variant.
Genome position (GRCh38, 1-based): chr8:31,058,529, G>A. VCF-style: chr8-31058529-G-A. GRCh37 (hg19) VCF-style: chr8-30916045-G-A.
Other names: short protein forms V28I.
Identifiers: ClinVar variation 646786 (VCV000646786.5), dbSNP rs538314935, ClinGen allele CA174838789.
Genomic context (GRCh38, chr8:31,058,529, plus strand): 5'-ACAACTGCACAGCAGCGGAAATGTCCTGAATGGATGAATGTGCAGAATAAAAGATGTGCT[G>A]TAGAAGAAAGAAAGGTATGTTGTTCATTGACTATTCTTTTGGGTGAGAAATTTAATTTAT-3'
Protein context (NP_000544.2, residues 18-38): WMNVQNKRCA[Val28Ile]EERKACVRKS

ClinVar aggregate classification (germline): Uncertain significance (1 of 4 stars; one submission).

Conditions:
Werner syndrome (WRN). Identifiers: Orphanet 902, MedGen C0043119, MONDO:0010196, OMIM 277700.

Submission:

Labcorp Genetics (formerly Invitae), Labcorp
Classification: Uncertain significance for Werner syndrome. Last evaluated: 2025-07-20. Review status: criteria provided, single submitter. Criteria: Invitae Variant Classification Sherloc (09022015). Collection method: clinical testing. Allele origin: germline.
Comment: This sequence change replaces valine, which is neutral and non-polar, with isoleucine, which is neutral and non-polar, at codon 28 of the WRN protein (p.Val28Ile). This variant is not present in population databases (gnomAD no frequency). This variant has not been reported in the literature in individuals affected with WRN-related conditions. ClinVar contains an entry for this variant (Variation ID: 646786). An algorithm developed to predict the effect of missense changes on protein structure and function outputs the following: PolyPhen-2: "Benign". The isoleucine amino acid residue is found in multiple mammalian species, which suggests that this missense change does not adversely affect protein function. In summary, the available evidence is currently insufficient to determine the role of this variant in disease. Therefore, it has been classified as a Variant of Uncertain Significance.